The following is an entry in ClinVar:

ClinVar aggregate classification (germline): Uncertain significance (1 of 4 stars; one submission).

Allele frequency attached by ClinVar (database versions not stated): gnomAD exomes below 0.00001; TOPMed below 0.00001.
gnomAD v4.1: 1 of 1,613,008 alleles (0.000062%); highest among the groups gnomAD compares: Non-Finnish European, 0.000085%; no homozygotes.

Submission:

Labcorp Genetics (formerly Invitae), Labcorp
Classification: Uncertain significance. Last evaluated: 2022-03-19. Review status: criteria provided, single submitter. Criteria: Invitae Variant Classification Sherloc (09022015). Collection method: clinical testing. Allele origin: germline.
Comment: In summary, the available evidence is currently insufficient to determine the role of this variant in disease. Therefore, it has been classified as a Variant of Uncertain Significance. Algorithms developed to predict the effect of missense changes on protein structure and function (SIFT, PolyPhen-2, Align-GVGD) all suggest that this variant is likely to be tolerated. This variant has not been reported in the literature in individuals affected with CAD-related conditions. This variant is not present in population databases (gnomAD no frequency). This sequence change replaces alanine, which is neutral and non-polar, with valine, which is neutral and non-polar, at codon 155 of the CAD protein (p.Ala155Val).

NM_004341.5(CAD):c.464C>T (p.Ala155Val)

Gene: CAD (carbamoyl-phosphate synthetase 2, aspartate transcarbamylase, and dihydroorotase; plus strand). Cytogenetic location: 2p23.3.
Variant type: single nucleotide variant.
Coding change: c.464C>T on transcript NM_004341.5 (MANE Select); coding-DNA position 464, C replaced by T.
Protein change: p.Ala155Val; replaces alanine 155 with valine.
Molecular consequence: missense variant.
Genome position (GRCh38, 1-based): chr2:27,222,305, C>T. VCF-style: chr2-27222305-C-T. GRCh37 (hg19) VCF-style: chr2-27445173-C-T.
Other names: c.464C>T, p.Ala155Val (NM_001306079.2); short protein forms A155V.
Identifiers: ClinVar variation 1505366 (VCV001505366.8), dbSNP rs1675211608, ClinGen allele CA346199191.
Genomic context (GRCh38, chr2:27,222,305, plus strand): 5'-TGGGGAAGCTGGTCCAGAATGGAACAGAACCTTCATCCCTGCCATTCTTGGACCCCAATG[C>T]CCGCCCCCTGGTACCAGAGGTCTCCATTAAGGTACAGAGGTAGAGTGGGAGAGTGTTGCA-3'
Protein context (NP_004332.2, residues 145-165): PSSLPFLDPN[Ala155Val]RPLVPEVSIK